The following is an entry in ClinVar:

NM_001165963.4(SCN1A):c.3429+2T>C

Genes: SCN1A (sodium voltage-gated channel alpha subunit 1; minus strand), LOC102724058 (uncharacterized LOC102724058; plus strand). Cytogenetic location: 2q24.3.
Variant type: single nucleotide variant.
Coding change: c.3429+2T>C on transcript NM_001165963.4 (MANE Select); the canonical splice donor site of the intron after coding-DNA position 3429, T replaced by C.
Molecular consequence: splice donor variant.
Genome position (GRCh38, 1-based): chr2:166,036,046, A>G on the plus strand (T>C on the coding strand, the complement: SCN1A is on the minus strand). VCF-style: chr2-166036046-A-G. GRCh37 (hg19) VCF-style: chr2-166892556-A-G.
Other names: c.3396+2T>C (NM_001353949.2, NM_001353950.2, NM_001353951.2 and 2 more transcripts); c.3345+2T>C (NM_001353958.2, NM_001353957.2, NM_001165964.3); c.3429+2T>C (NM_001202435.3, NM_001353948.2); c.3393+2T>C (NM_001353955.2, NM_001353954.2); c.3342+2T>C (NM_001353960.2); c.987+2T>C (NM_001353961.2).
Identifiers: ClinVar variation 2203191 (VCV002203191.4), dbSNP rs2468073904, ClinGen allele CA349058947.
Genomic context (GRCh38, chr2:166,036,046, plus strand): 5'-GTATGTGTGTATATGTATATATGTATATGTATTCATACCTTCCCACACCTATAGAATCTT[A>G]CCTCTTTGCTTTCTTCCAGATCCGATTCACTACTAAAGTCTTCCGTGTTTAAATTTTCAA-3'

ClinVar aggregate classification (germline): Pathogenic (1 of 4 stars; one submission).

Conditions:
Early-infantile DEE. Also called: Early infantile epileptic encephalopathy with suppression bursts; Early infantile epileptic encephalopathy; Ohtahara syndrome. Identifiers: Orphanet 1934, MedGen C0393706, MONDO:0800491.

Submission:

Labcorp Genetics (formerly Invitae), Labcorp
Classification: Pathogenic for Early-infantile DEE. Last evaluated: 2022-02-11. Review status: criteria provided, single submitter. Criteria: Invitae Variant Classification Sherloc (09022015). Collection method: clinical testing. Allele origin: germline.
Comment: This variant is not present in population databases (gnomAD no frequency). This sequence change affects a donor splice site in intron 16 of the SCN1A gene. It is expected to disrupt RNA splicing. Variants that disrupt the donor or acceptor splice site typically lead to a loss of protein function (PMID: 16199547), and loss-of-function variants in SCN1A are known to be pathogenic (PMID: 17347258, 18930999). For these reasons, this variant has been classified as Pathogenic. Algorithms developed to predict the effect of sequence changes on RNA splicing suggest that this variant may disrupt the consensus splice site. This variant is also known as IVS16+2T>C. Disruption of this splice site has been observed in individual(s) with SCN1A-related conditions (PMID: 18632234). In at least one individual the variant was observed to be de novo.

Literature cited by the submitters: PubMed 16199547; PubMed 17347258; PubMed 18930999; PubMed 18632234.